The following is an entry in ClinVar:

ClinVar aggregate classification (germline): Uncertain significance. Review status: criteria provided, multiple submitters, no conflicts (2 of 4 stars). 2 submissions from 2 submitters: Uncertain significance (2). Last evaluated 2023-12-01.

Conditions:
Marfan syndrome (MFS). Also called: Marfan's syndrome; Marfan syndrome, classic; MARFAN SYNDROME, TYPE I; Marfan syndrome type 1; FBN1-Related Marfan Syndrome. Identifiers: Orphanet 284963, Orphanet 558, MedGen C0024796, MONDO:0007947, OMIM 154700.

Submissions (2):

All of Us Research Program, National Institutes of Health
Classification: Uncertain significance for Marfan syndrome. Last evaluated: 2023-12-01. Review status: criteria provided, single submitter. Criteria: ACMG Guidelines, 2015. Collection method: clinical testing. Allele origin: germline. Inheritance: Autosomal dominant inheritance. Observed: 1 variant allele, 1 heterozygote.
Comment: This study involves interpretation of variants in research participants for the purpose of population health screening. Participant phenotype was not available at the time of variant classification. Additional details can be found in publication PMID: 35346344, PMCID: PMC8962531

GeneDx
Classification: Uncertain significance. Last evaluated: 2022-12-30. Review status: criteria provided, single submitter. Criteria: GeneDx Variant Classification Process June 2021. Collection method: clinical testing. Allele origin: germline. Affected: yes.
Comment: Not observed at significant frequency in large population cohorts (gnomAD); In silico analysis supports that this missense variant has a deleterious effect on protein structure/function; Has not been previously published as pathogenic or benign to our knowledge; Although located in a calcium-binding EGF-like domain of the FBN1 gene, it does not affect a cysteine residue within this domain; cysteine substitutions in the calcium-binding EGF-like domains represent the majority of pathogenic missense changes associated with FBN1-related disorders (Collod-Beroud et al., 2003); This variant is associated with the following publications: (PMID: 12938084)

NM_000138.5(FBN1):c.7754T>A (p.Ile2585Asn)

Gene: FBN1 (fibrillin 1; minus strand). Cytogenetic location: 15q21.1.
Variant type: single nucleotide variant.
Coding change: c.7754T>A on transcript NM_000138.5 (MANE Select); coding-DNA position 7754, T replaced by A.
Protein change: p.Ile2585Asn; replaces isoleucine 2585 with asparagine.
Molecular consequence: missense variant.
Genome position (GRCh38, 1-based): chr15:48,420,752, A>T on the plus strand (T>A on the coding strand, the complement: FBN1 is on the minus strand). VCF-style: chr15-48420752-A-T. GRCh37 (hg19) VCF-style: chr15-48712949-A-T.
Other names: c.7754T>A, p.Ile2585Asn (NM_001406716.1); short protein forms I2585N.
Identifiers: ClinVar variation 1810730 (VCV001810730.2), dbSNP rs727503054, ClinGen allele CA269519591.